The following is an entry in ClinVar:

ClinVar aggregate classification (germline): Uncertain significance (1 of 4 stars; one submission).

Submission:

Ambry Genetics
Classification: Uncertain significance. Last evaluated: 2025-08-03. Review status: criteria provided, single submitter. Criteria: Ambry Variant Classification Scheme 2023. Collection method: clinical testing. Allele origin: germline.
Comment: The p.S531F variant (also known as c.1592C>T), located in coding exon 7 of the WNK2 gene, results from a C to T substitution at nucleotide position 1592. The serine at codon 531 is replaced by phenylalanine, an amino acid with highly dissimilar properties. This amino acid position is conserved. In addition, this alteration is predicted to be deleterious by in silico analysis. Based on the available evidence, the clinical significance of this variant remains unclear.

NM_006648.4(WNK2):c.1592C>T (p.Ser531Phe)

Gene: WNK2 (WNK lysine deficient protein kinase 2; plus strand). Cytogenetic location: 9q22.31.
Variant type: single nucleotide variant.
Coding change: c.1592C>T on transcript NM_006648.4 (MANE Select); coding-DNA position 1592, C replaced by T.
Protein change: p.Ser531Phe; replaces serine 531 with phenylalanine.
Molecular consequence: missense variant.
Genome position (GRCh38, 1-based): chr9:93,247,592, C>T. VCF-style: chr9-93247592-C-T. GRCh37 (hg19) VCF-style: chr9-96009874-C-T.
Other names: c.1592C>T, p.Ser531Phe (NM_001282394.3); short protein forms S531F.
Identifiers: ClinVar variation 4201705 (VCV004201705.1).
Genomic context (GRCh38, chr9:93,247,592, plus strand): 5'-TGCCTTTACAGATTGAGTCTGGATTCTTCCACGAGAGTGACGTCAAGATCGTGGCCAAGT[C>T]CATCCGTGACCGCGTGGCCTTGATCCAGTGGCGGCGGGAGAGGATCTGGCCCGCGCTGCA-3'
Protein context (NP_006639.3, residues 521-541): HESDVKIVAK[Ser531Phe]IRDRVALIQW